The following is an entry in ClinVar:

ClinVar aggregate classification (germline): Likely benign (1 of 4 stars; one submission).

Submission:

CeGaT Center for Human Genetics Tuebingen
Classification: Likely benign. Last evaluated: 2026-07-01. Review status: criteria provided, single submitter. Criteria: CeGaT Center For Human Genetics Tuebingen Variant Classification Criteria Version 2. Collection method: clinical testing. Allele origin: germline. Affected: yes. Observed: 1 variant allele.
Comment: NUBPL: BP4, BP7

NM_025152.3(NUBPL):c.84C>T (p.Ser28=)

Gene: NUBPL (NUBP iron-sulfur cluster assembly factor, mitochondrial; plus strand). Cytogenetic location: 14q12.
Variant type: single nucleotide variant.
Coding change: c.84C>T on transcript NM_025152.3 (MANE Select); coding-DNA position 84, C replaced by T.
Protein change: p.Ser28=; no amino-acid change (serine 28 retained).
Molecular consequence: synonymous variant. On other transcripts: non-coding transcript variant (1).
Genome position (GRCh38, 1-based): chr14:31,561,523, C>T. VCF-style: chr14-31561523-C-T. GRCh37 (hg19) VCF-style: chr14-32030729-C-T.
Identifiers: ClinVar variation 5039828 (VCV005039828.1).